The following is an entry in ClinVar:

NM_001164508.2(NEB):c.11585_11586insG (p.Tyr3862Ter)

Gene: NEB (nebulin; minus strand). Cytogenetic location: 2q23.3.
Variant type: Insertion.
Coding change: c.11585_11586insG on transcript NM_001164508.2 (MANE Select); coding-DNA positions 11585 to 11586, G inserted.
Protein change: p.Tyr3862Ter; replaces tyrosine 3862 with a stop codon.
Molecular consequence: nonsense.
Genome position: GRCh38 VCF-style: chr2-151614291-A-AC. GRCh37 (hg19) VCF-style: chr2-152470805-A-AC.
Other names: c.11585_11586insG, p.Tyr3862Ter (NM_001164507.2, NM_001271208.2); c.10856_10857insG, p.Tyr3619Ter (NM_004543.5); short protein forms Y3619*, Y3862*.
Identifiers: ClinVar variation 1701390 (VCV001701390.31), dbSNP rs2153991581, ClinGen allele CA2580064176.

ClinVar aggregate classification (germline): Pathogenic (1 of 4 stars; one submission).

Submission:

CeGaT Center for Human Genetics Tuebingen
Classification: Pathogenic. Last evaluated: 2022-07-01. Review status: criteria provided, single submitter. Criteria: CeGaT Center For Human Genetics Tuebingen Variant Classification Criteria Version 2. Collection method: clinical testing. Allele origin: germline. Affected: yes. Observed: 1 variant allele.
Comment: NEB: PVS1, PS2, PM2